The following is an entry in ClinVar:

ClinVar aggregate classification (germline): Pathogenic (1 of 4 stars; one submission).

Conditions:
Idiopathic generalized epilepsy. Also called: EIG; Generalised epilepsy. Identifiers: MedGen C0270850, MONDO:0005579, OMIM 600669.
Epilepsy, idiopathic generalized, susceptibility to, 13. Also called: EPILEPSY, JUVENILE MYOCLONIC, SUSCEPTIBILITY TO, 5. Identifiers: Orphanet 307, Orphanet 64280, MedGen C4013473, MONDO:0012627, OMIM 611136.
Epilepsy, childhood absence 4 (ECA4). Also called: EPILEPSY, CHILDHOOD ABSENCE, SUSCEPTIBILITY TO, 4. Identifiers: Orphanet 307, MedGen C1970160.

Submission:

Labcorp Genetics (formerly Invitae), Labcorp
Classification: Pathogenic for Epilepsy, childhood absence 4; Epilepsy, idiopathic generalized, susceptibility to, 13; Idiopathic generalized epilepsy. Last evaluated: 2023-10-30. Review status: criteria provided, single submitter. Criteria: Invitae Variant Classification Sherloc (09022015). Collection method: clinical testing. Allele origin: germline.
Comment: This sequence change replaces proline, which is neutral and non-polar, with glutamine, which is neutral and polar, at codon 280 of the GABRA1 protein (p.Pro280Gln). This variant is not present in population databases (gnomAD no frequency). This missense change has been observed in individual(s) with clinical features of developmental and epileptic encephalopathy (Invitae). In at least one individual the variant was observed to be de novo. Advanced modeling of protein sequence and biophysical properties (such as structural, functional, and spatial information, amino acid conservation, physicochemical variation, residue mobility, and thermodynamic stability) performed at Invitae indicates that this missense variant is expected to disrupt GABRA1 protein function with a positive predictive value of 95%. For these reasons, this variant has been classified as Pathogenic.

NM_001127644.2(GABRA1):c.839C>A (p.Pro280Gln)

Gene: GABRA1 (gamma-aminobutyric acid type A receptor subunit alpha1; plus strand). Cytogenetic location: 5q34.
Variant type: single nucleotide variant.
Coding change: c.839C>A on transcript NM_001127644.2 (MANE Select); coding-DNA position 839, C replaced by A.
Protein change: p.Pro280Gln; replaces proline 280 with glutamine.
Molecular consequence: missense variant.
Genome position (GRCh38, 1-based): chr5:161,891,033, C>A. VCF-style: chr5-161891033-C-A. GRCh37 (hg19) VCF-style: chr5-161318039-C-A.
Other names: c.839C>A, p.Pro280Gln (NM_000806.5, NM_001127643.2, NM_001127645.2 and 1 more transcripts); short protein forms P280Q.
Identifiers: ClinVar variation 2942901 (VCV002942901.3), dbSNP rs2532280628, ClinGen allele CA362180016.